The following is an entry in ClinVar:

ClinVar aggregate classification (germline): Pathogenic (1 of 4 stars; one submission).

Conditions:
Deficiency of adenosine deaminase 2. Also called: Adenosine Deaminase 2 Deficiency; VASCULITIS, AUTOINFLAMMATION, IMMUNODEFICIENCY, AND HEMATOLOGIC DEFECTS SYNDROME; Polyarteritis nodosa, childhoood-onset. Identifiers: Orphanet 404553, MedGen C3887654, MONDO:0014306, OMIM 615688, MONDO:0100317.

Submission:

Women's Health and Genetics/Laboratory Corporation of America, LabCorp
Classification: Pathogenic for Deficiency of adenosine deaminase 2. Last evaluated: 2024-05-21. Review status: criteria provided, single submitter. Criteria: LabCorp Variant Classification Summary - May 2015. Collection method: clinical testing. Allele origin: germline.
Comment: Variant summary: ADA2 c.1086_1087delinsTT (p.Trp362CysfsX2) results in a premature termination codon, predicted to cause a truncation of the encoded protein or absence of the protein due to nonsense mediated decay, which are commonly known mechanisms for disease. The variant was absent in 251280 control chromosomes. To our knowledge, no occurrence of c.1086_1087delinsTT in individuals affected with Polyarteritis Nodosa, Childhoood-Onset and no experimental evidence demonstrating its impact on protein function have been reported. No submitters have cited clinical-significance assessments for this variant to ClinVar. Based on the evidence outlined above, the variant was classified as pathogenic.

NM_001282225.2(ADA2):c.1086_1087delinsTT (p.Trp362_Gln363delinsCysTer)

Gene: ADA2 (adenosine deaminase 2; minus strand). Cytogenetic location: 22q11.1.
Variant type: Indel.
Coding change: c.1086_1087delinsTT on transcript NM_001282225.2 (MANE Select); coding-DNA positions 1086 to 1087, GC replaced by TT.
Protein change: p.Trp362_Gln363delinsCysTer.
Molecular consequence: nonsense.
Genome position (GRCh38, 1-based): chr22:17,182,756-17,182,757, GC replaced by AA on the plus strand (GC replaced by TT on the coding strand, the reverse complement: ADA2 is on the minus strand). VCF-style: chr22-17182756-GC-AA. GRCh37 (hg19) VCF-style: chr22-17663646-GC-AA.
Other names: c.1086_1087delinsTT, p.Trp362_Gln363delinsCysTer (NM_001282226.2); c.960_961delinsTT, p.Trp320_Gln321delinsCysTer (NM_001282227.2, NM_001282228.2); c.726_727delinsTT, p.Trp242_Gln243delinsCysTer (NM_001282229.2); c.363_364delinsTT, p.Trp121_Gln122delinsCysTer (NM_177405.3).
Identifiers: ClinVar variation 3336463 (VCV003336463.1).